The following is an entry in ClinVar:

NM_138694.4(PKHD1):c.1249A>G (p.Ile417Val)

Gene: PKHD1 (PKHD1 ciliary IPT domain containing fibrocystin/polyductin; minus strand). Cytogenetic location: 6p12.2.
Variant type: single nucleotide variant.
Coding change: c.1249A>G on transcript NM_138694.4 (MANE Select); coding-DNA position 1249, A replaced by G.
Protein change: p.Ile417Val; replaces isoleucine 417 with valine.
Molecular consequence: missense variant.
Genome position (GRCh38, 1-based): chr6:52,058,586, T>C on the plus strand (A>G on the coding strand, the complement: PKHD1 is on the minus strand). VCF-style: chr6-52058586-T-C. GRCh37 (hg19) VCF-style: chr6-51923384-T-C.
Other names: c.1249A>G, p.Ile417Val (NM_170724.3); short protein forms I417V.
Identifiers: ClinVar variation 958352 (VCV000958352.13), dbSNP rs781286941, ClinGen allele CA3853601.

ClinVar aggregate classification (germline): Uncertain significance. Review status: criteria provided, multiple submitters, no conflicts (2 of 4 stars). 4 submissions from 4 submitters: Uncertain significance (3). 1 of the submissions does not count toward it. Last evaluated 2025-06-02.

Conditions:
Polycystic kidney disease 4 (PKD4). Also called: Autosomal Recessive Polycystic Kidney Disease – PKHD1; POLYCYSTIC KIDNEY AND HEPATIC DISEASE 1; POLYCYSTIC KIDNEY DISEASE, INFANTILE, TYPE I; PKD3; POLYCYSTIC KIDNEY DISEASE 4 WITH OR WITHOUT POLYCYSTIC LIVER DISEASE. Identifiers: MedGen C4540575, MONDO:0033004, OMIM 263200.
Autosomal recessive polycystic kidney disease (ARPKD). Also called: AR polycystic kidney disease. Identifiers: Orphanet 731, Orphanet 8378, MedGen C0085548, MeSH D017044, MONDO:0009889.

Allele frequency attached by ClinVar (database versions not stated): TOPMed 0.00001; ExAC 0.00002; gnomAD exomes 0.00002 and 0.00003; gnomAD 0.00003 and 0.00004.
gnomAD v4.1: 38 of 1,613,966 alleles (0.0024%); highest among the groups gnomAD compares: Non-Finnish European, 0.0022%; no homozygotes.

Submissions (4):

Labcorp Genetics (formerly Invitae), Labcorp
Classification: Uncertain significance for Autosomal recessive polycystic kidney disease. Last evaluated: 2025-06-02. Review status: criteria provided, single submitter. Criteria: Invitae Variant Classification Sherloc (09022015). Collection method: clinical testing. Allele origin: germline.
Comment: This sequence change replaces isoleucine, which is neutral and non-polar, with valine, which is neutral and non-polar, at codon 417 of the PKHD1 protein (p.Ile417Val). This variant is present in population databases (rs781286941, gnomAD 0.02%). This variant has not been reported in the literature in individuals affected with PKHD1-related conditions. ClinVar contains an entry for this variant (Variation ID: 958352). Invitae Evidence Modeling of protein sequence and biophysical properties (such as structural, functional, and spatial information, amino acid conservation, physicochemical variation, residue mobility, and thermodynamic stability) indicates that this missense variant is not expected to disrupt PKHD1 protein function with a negative predictive value of 95%. In summary, the available evidence is currently insufficient to determine the role of this variant in disease. Therefore, it has been classified as a Variant of Uncertain Significance.

Blueprint Genetics
Classification: Uncertain significance. Last evaluated: 2024-04-19. Review status: criteria provided, single submitter. Criteria: ACMG Guidelines, 2015. Collection method: clinical testing. Allele origin: germline.

Fulgent Genetics
Classification: Uncertain significance for Polycystic kidney disease 4. Last evaluated: 2023-12-21. Review status: criteria provided, single submitter. Criteria: ACMG Guidelines, 2015. Collection method: clinical testing. Allele origin: germline.

Natera, Inc.
Classification: Uncertain significance for Autosomal recessive polycystic kidney disease. Last evaluated: 2018-09-24. Review status: no assertion criteria provided. Collection method: clinical testing. Allele origin: germline. Not counted in ClinVar's aggregate classification.